The following is an entry in ClinVar:

ClinVar aggregate classification (germline): Pathogenic/Likely pathogenic. Review status: criteria provided, multiple submitters, no conflicts (2 of 4 stars). 3 submissions from 3 submitters: Pathogenic (1); Likely pathogenic (2). Last evaluated 2025-03-13.

Conditions:
Arthrogryposis multiplex congenita 6. Identifiers: MedGen C5543431, MONDO:0030281, OMIM 619334.
Nemaline myopathy. Also called: Myopathies, Nemaline. Identifiers: Orphanet 607, MedGen C0206157, MONDO:0018958.
Nemaline myopathy 2 (NEM2). Also called: Nemaline myopathy 2, autosomal recessive. Identifiers: MedGen C1850569, MONDO:0009725, OMIM 256030.

Submissions (3):

Labcorp Genetics (formerly Invitae), Labcorp
Classification: Pathogenic for Nemaline myopathy 2. Last evaluated: 2025-03-13. Review status: criteria provided, single submitter. Criteria: Invitae Variant Classification Sherloc (09022015). Collection method: clinical testing. Allele origin: germline.
Comment: This sequence change creates a premature translational stop signal (p.Thr7031Serfs*3) in the NEB gene. It is expected to result in an absent or disrupted protein product. Loss-of-function variants in NEB are known to be pathogenic (PMID: 25205138). This variant is present in population databases (no rsID available, gnomAD 0.003%). This variant has not been reported in the literature in individuals affected with NEB-related conditions. ClinVar contains an entry for this variant (Variation ID: 2024211). For these reasons, this variant has been classified as Pathogenic.

Broad Center for Mendelian Genomics, Broad Institute of MIT and Harvard
Classification: Likely pathogenic for Nemaline myopathy. Last evaluated: 2025-03-04. Review status: criteria provided, single submitter. Criteria: ACMG Guidelines, 2015. Collection method: curation. Allele origin: germline. Inheritance: Autosomal recessive inheritance.
Comment: The p.Thr7031fs variant in NEB has not been previously reported in the literature in individuals with nemaline myopathy, but has been identified in 0.002% (1/43002) of Latino/Admixed American chromosomes by the Genome Aggregation Database (gnomAD; dbSNP ID: rs1220521725). Although this variant has been seen in the general population in a heterozygous state, its frequency is low enough to be consistent with a recessive carrier frequency. This variant has also been reported in ClinVar (Variation ID: 2024211) and has been interpreted as pathogenic by Invitae. This variant is predicted to cause a frameshift, which alters the protein‚Äôs amino acid sequence beginning at position 7031 and leads to a premature termination codon three amino acids downstream. This alteration is then predicted to lead to a truncated or absent protein. Loss of function of the NEB gene is an established disease mechanism in autosomal recessive nemaline myopathy. In summary, although additional studies are required to fully establish its clinical significance, this variant is likely pathogenic for autosomal recessive nemaline myopathy. ACMG/AMP Criteria applied: PVS1, PM2_supporting (Richards 2015).

Baylor Genetics
Classification: Likely pathogenic for Arthrogryposis multiplex congenita 6. Last evaluated: 2023-07-22. Review status: criteria provided, single submitter. Criteria: ACMG Guidelines, 2015. Collection method: clinical testing. Allele origin: unknown.

Literature cited by the submitters: PubMed 25205138 (cited by Labcorp Genetics (formerly Invitae), Labcorp).

NM_001164508.2(NEB):c.21092_21093del (p.Thr7031fs)

Gene: NEB (nebulin; minus strand). Cytogenetic location: 2q23.3.
Variant type: Microsatellite.
Coding change: c.21092_21093del on transcript NM_001164508.2 (MANE Select); coding-DNA positions 21092 to 21093, 2 bases deleted (CA; older notation c.21092_21093delCA).
Protein change: p.Thr7031fs; shifts the reading frame from threonine 7031.
Molecular consequence: frameshift variant.
Genome position (GRCh38, 1-based): chr2:151,537,881-151,537,882, TG deleted on the plus strand (CA on the coding strand, the reverse complement: NEB is on the minus strand); deleting any 2 consecutive bases within chr2:151,537,881-151,537,885 gives the same sequence; the c. name uses the placement nearest the transcript's 3' end. VCF-style (leftmost placement, unchanged base first): chr2-151537880-CTG-C. GRCh37 (hg19) VCF-style: chr2-152394394-CTG-C.
Other names: NM_001164508.2(NEB):c.21092_21093del; p.Thr7031fs; c.21092_21093del, p.Thr7031fs (NM_001164507.2, NM_001271208.2); c.21089_21090AC[1], p.Thr7031Serfs (NM_001271208.1); c.15989_15990del, p.Thr5330fs (NM_004543.5); c.21092_21093del (NM_001271208.1); short protein forms T5330fs, T7031fs.
Identifiers: ClinVar variation 2024211 (VCV002024211.6), dbSNP rs1220521725, ClinGen allele CA536640271.